The following is an entry in ClinVar:

ClinVar aggregate classification (germline): Likely benign. Review status: criteria provided, multiple submitters, no conflicts (2 of 4 stars). 2 submissions from 2 submitters: Likely benign (2). Last evaluated 2026-04-15.

Conditions:
TUBB3-related disorder. Also called: TUBB3-related disorders; TUBB3-related condition.

Allele frequency attached by ClinVar (database versions not stated): ExAC 0.00001; gnomAD 0.00002; TOPMed 0.00003; ESP Exome Variant Server 0.00008.
gnomAD v4.1: 20 of 1,614,038 alleles (0.0012%); highest among the groups gnomAD compares: Middle Eastern, 0.016%; no homozygotes.

Submissions (2):

PreventionGenetics, part of Exact Sciences
Classification: Likely benign for TUBB3-related condition. Last evaluated: 2026-04-15. Review status: criteria provided, single submitter. Criteria: ACMG Guidelines, 2015. Collection method: clinical testing. Allele origin: germline.
Comment: This variant is classified as likely benign based on ACMG/AMP sequence variant interpretation guidelines (Richards et al. 2015 PMID: 25741868, with internal and published modifications).

GeneDx
Classification: Likely benign. Last evaluated: 2018-12-11. Review status: criteria provided, single submitter. Criteria: GeneDx Variant Classification Process June 2021. Collection method: clinical testing. Allele origin: germline. Affected: yes.

NM_006086.4(TUBB3):c.936G>A (p.Thr312=)

Gene: TUBB3 (tubulin beta 3 class III; plus strand). Cytogenetic location: 16q24.3.
Variant type: single nucleotide variant.
Coding change: c.936G>A on transcript NM_006086.4 (MANE Select); coding-DNA position 936, G replaced by A.
Protein change: p.Thr312=; no amino-acid change (threonine 312 retained).
Molecular consequence: synonymous variant.
Genome position (GRCh38, 1-based): chr16:89,935,387, G>A. VCF-style: chr16-89935387-G-A. GRCh37 (hg19) VCF-style: chr16-90001795-G-A.
Other names: c.720G>A, p.Thr240= (NM_001197181.2).
Identifiers: ClinVar variation 1223575 (VCV001223575.4), dbSNP rs375770255, ClinGen allele CA8256187.